The following is an entry in ClinVar:

NM_005476.7(GNE):c.688A>G (p.Ile230Val)

Gene: GNE (glucosamine (UDP-N-acetyl)-2-epimerase/N-acetylmannosamine kinase; minus strand). Cytogenetic location: 9p13.3.
Variant type: single nucleotide variant.
Coding change: c.688A>G on transcript NM_005476.7 (MANE Select); coding-DNA position 688, A replaced by G.
Protein change: p.Ile230Val; replaces isoleucine 230 with valine.
Molecular consequence: missense variant. On other transcripts: intron variant (2).
Genome position (GRCh38, 1-based): chr9:36,236,913, T>C on the plus strand (A>G on the coding strand, the complement: GNE is on the minus strand). VCF-style: chr9-36236913-T-C. GRCh37 (hg19) VCF-style: chr9-36236910-T-C.
Other names: c.781A>G, p.Ile261Val (NM_001128227.3); c.688A>G, p.Ile230Val (NM_001190383.3); c.511A>G, p.Ile171Val (NM_001190388.2, NM_001374798.1); c.440-2781A>G (NM_001190384.3); c.617-2781A>G (NM_001374797.1); short protein forms I171V, I230V, I261V.
Identifiers: ClinVar variation 2432215 (VCV002432215.5), dbSNP rs758234900, ClinGen allele CA5056678.

ClinVar aggregate classification (germline): Uncertain significance. Review status: criteria provided, multiple submitters, no conflicts (2 of 4 stars). 2 submissions from 2 submitters: Uncertain significance (2). Last evaluated 2025-02-08.

Conditions:
Sialuria. Also called: Sialic Acid Storage Disease; SIALURIA, FRENCH TYPE. Identifiers: Orphanet 3166, MedGen C0342853, MONDO:0010028, OMIM 269921.
GNE myopathy (NM). Also called: IBM 2; Inclusion body myopathy autosomal recessive; Inclusion body myopathy quadriceps sparing; MYOPATHY, DISTAL, WITH OR WITHOUT RIMMED VACUOLES; NONAKA DISTAL MYOPATHY; INCLUSION BODY MYOPATHY, HEREDITARY, AUTOSOMAL RECESSIVE. Identifiers: Orphanet 602, MedGen C1853926, MONDO:0011603, OMIM 605820.

Allele frequency attached by ClinVar (database versions not stated): TOPMed below 0.00001; gnomAD exomes 0.00002; ExAC 0.00006.

Submissions (2):

Labcorp Genetics (formerly Invitae), Labcorp
Classification: Uncertain significance for Sialuria; GNE myopathy. Last evaluated: 2025-02-08. Review status: criteria provided, single submitter. Criteria: Invitae Variant Classification Sherloc (09022015). Collection method: clinical testing. Allele origin: germline.
Comment: This sequence change replaces isoleucine, which is neutral and non-polar, with valine, which is neutral and non-polar, at codon 261 of the GNE protein (p.Ile261Val). This variant is present in population databases (rs758234900, gnomAD 0.009%). This variant has not been reported in the literature in individuals affected with GNE-related conditions. ClinVar contains an entry for this variant (Variation ID: 2432215). Invitae Evidence Modeling of protein sequence and biophysical properties (such as structural, functional, and spatial information, amino acid conservation, physicochemical variation, residue mobility, and thermodynamic stability) has been performed for this missense variant. However, the output from this modeling did not meet the statistical confidence thresholds required to predict the impact of this variant on GNE protein function. In summary, the available evidence is currently insufficient to determine the role of this variant in disease. Therefore, it has been classified as a Variant of Uncertain Significance.

Revvity Omics, Revvity
Classification: Uncertain significance. Last evaluated: 2022-06-15. Review status: criteria provided, single submitter. Criteria: ACMG Guidelines, 2015. Collection method: clinical testing. Allele origin: germline.